The following is an entry in ClinVar:

ClinVar aggregate classification (germline): Conflicting classifications of pathogenicity. Review status: criteria provided, conflicting classifications (1 of 4 stars). 4 submissions from 4 submitters: Uncertain significance (3); Likely benign (1). Last evaluated 2024-05-22.

Conditions:
Cardiovascular phenotype. Identifiers: MedGen CN230736.
Arrhythmogenic cardiomyopathy with wooly hair and keratoderma. Also called: PALMOPLANTAR KERATODERMA WITH LEFT VENTRICULAR CARDIOMYOPATHY AND WOOLLY HAIR; Carvajal syndrome; Dilated cardiomyopathy with woolly hair and keratoderma; Arrhythmogenic cardiomyopathy with woolly hair and keratoderma. Identifiers: Orphanet 65282, MedGen C1854063, MONDO:0011581, OMIM 605676.
Arrhythmogenic right ventricular dysplasia 8 (ARVD8). Also called: ARRHYTHMOGENIC RIGHT VENTRICULAR DYSPLASIA, FAMILIAL, 8; Arrhythmogenic Right Ventricular Dysplasia/Cardiomyopathy 8; ARRHYTHMOGENIC RIGHT VENTRICULAR CARDIOMYOPATHY 8. Identifiers: MedGen C1843896, MONDO:0011831, OMIM 607450.
Cardiomyopathy (CMYO). Also called: Cardiomyopathies. Identifiers: Orphanet 167848, MedGen C0878544, MONDO:0004994, HP:0001638. Inheritance: Various modes of inheritance.

Allele frequency attached by ClinVar (database versions not stated): gnomAD 0.00001; gnomAD exomes 0.00001; ExAC 0.00002; 1000 Genomes Project 0.00020; 1000 Genomes Project 30x 0.00031.
gnomAD v4.1: 12 of 1,614,176 alleles (0.00074%); highest among the groups gnomAD compares: East Asian, 0.0089%; no homozygotes.

Submissions (4):

Labcorp Genetics (formerly Invitae), Labcorp
Classification: Likely benign for Arrhythmogenic cardiomyopathy with wooly hair and keratoderma; Arrhythmogenic right ventricular dysplasia 8. Last evaluated: 2024-05-22. Review status: criteria provided, single submitter. Criteria: Invitae Variant Classification Sherloc (09022015). Collection method: clinical testing. Allele origin: germline.

All of Us Research Program, National Institutes of Health
Classification: Uncertain significance for Arrhythmogenic cardiomyopathy with wooly hair and keratoderma. Last evaluated: 2024-04-25. Review status: criteria provided, single submitter. Criteria: ACMG Guidelines, 2015. Collection method: clinical testing. Allele origin: germline. Inheritance: Autosomal dominant inheritance. Observed: 1 variant allele, 1 heterozygote.
Comment: This missense variant replaces threonine with methionine at codon 61 of the DSP protein. Computational prediction suggests that this variant may not impact protein structure and function (internally defined REVEL score threshold <= 0.5, PMID: 27666373). To our knowledge, functional studies have not been reported for this variant. This variant has not been reported in individuals affected with DSP-related disorders in the literature. This variant has been identified in 3/251370 chromosomes in the general population by the Genome Aggregation Database (gnomAD). The available evidence is insufficient to determine the role of this variant in disease conclusively. Therefore, this variant is classified as a Variant of Uncertain Significance.

This study involves interpretation of variants in research participants for the purpose of population health screening. Participant phenotype was not available at the time of variant classification. Additional details can be found in publication PMID: 35346344, PMCID: PMC8962531

Color Diagnostics, LLC DBA Color Health
Classification: Uncertain significance for Cardiomyopathy. Last evaluated: 2024-04-09. Review status: criteria provided, single submitter. Criteria: ACMG Guidelines, 2015. Collection method: clinical testing. Allele origin: germline.
Comment: This missense variant replaces threonine with methionine at codon 61 of the DSP protein. Computational prediction suggests that this variant may not impact protein structure and function (internally defined REVEL score threshold <= 0.5, PMID: 27666373). To our knowledge, functional studies have not been reported for this variant. This variant has not been reported in individuals affected with DSP-related disorders in the literature. This variant has been identified in 3/251370 chromosomes in the general population by the Genome Aggregation Database (gnomAD). The available evidence is insufficient to determine the role of this variant in disease conclusively. Therefore, this variant is classified as a Variant of Uncertain Significance.

Ambry Genetics
Classification: Uncertain significance for Cardiovascular phenotype. Last evaluated: 2022-11-21. Review status: criteria provided, single submitter. Criteria: Ambry Variant Classification Scheme 2023. Collection method: clinical testing. Allele origin: germline.
Comment: The p.T61M variant (also known as c.182C>T), located in coding exon 2 of the DSP gene, results from a C to T substitution at nucleotide position 182. The threonine at codon 61 is replaced by methionine, an amino acid with similar properties. This amino acid position is conserved. In addition, the in silico prediction for this alteration is inconclusive. Since supporting evidence is limited at this time, the clinical significance of this alteration remains unclear.

NM_004415.4(DSP):c.182C>T (p.Thr61Met)

Gene: DSP (desmoplakin; plus strand). Cytogenetic location: 6p24.3.
Variant type: single nucleotide variant.
Coding change: c.182C>T on transcript NM_004415.4 (MANE Select); coding-DNA position 182, C replaced by T.
Protein change: p.Thr61Met; replaces threonine 61 with methionine.
Molecular consequence: missense variant.
Genome position (GRCh38, 1-based): chr6:7,555,729, C>T. VCF-style: chr6-7555729-C-T. GRCh37 (hg19) VCF-style: chr6-7555962-C-T.
Other names: c.182C>T, p.Thr61Met (NM_001008844.3, NM_001319034.2); short protein forms T61M.
Identifiers: ClinVar variation 836054 (VCV000836054.15), dbSNP rs200250096, ClinGen allele CA030197.